The following is an entry in ClinVar:

NM_000088.4(COL1A1):c.2956G>A (p.Gly986Ser)

Gene: COL1A1 (collagen type I alpha 1 chain; minus strand). Cytogenetic location: 17q21.33.
Variant type: single nucleotide variant.
Coding change: c.2956G>A on transcript NM_000088.4 (MANE Select); coding-DNA position 2956, G replaced by A.
Protein change: p.Gly986Ser; replaces glycine 986 with serine.
Molecular consequence: missense variant.
Genome position (GRCh38, 1-based): chr17:50,188,992, C>T on the plus strand (G>A on the coding strand, the complement: COL1A1 is on the minus strand). VCF-style: chr17-50188992-C-T. GRCh37 (hg19) VCF-style: chr17-48266353-C-T.
Other names: short protein forms G986S.
Identifiers: ClinVar variation 3899285 (VCV003899285.2).

ClinVar aggregate classification (germline): Pathogenic/Likely pathogenic. Review status: criteria provided, multiple submitters, no conflicts (2 of 4 stars). 2 submissions from 2 submitters: Pathogenic (1); Likely pathogenic (1). Last evaluated 2025-04-10.

Conditions:
Osteogenesis imperfecta type I (OI1). Also called: OI, TYPE I; OSTEOGENESIS IMPERFECTA TARDA; OSTEOGENESIS IMPERFECTA WITH BLUE SCLERAE; Classic Non-deforming Osteogenesis Imperfecta with Blue Sclerae; Lobstein disease; Osteogenesis imperfecta type 1. Identifiers: Orphanet 216796, Orphanet 666, MedGen C0023931, MONDO:0008146, OMIM 166200. Disease mechanism: loss of function.

Submissions (2):

GeneDx
Classification: Pathogenic. Last evaluated: 2025-04-10. Review status: criteria provided, single submitter. Criteria: GeneDx Variant Classification Process June 2021. Collection method: clinical testing. Allele origin: germline. Affected: yes.
Comment: Occurs in the triple helical domain and replaces a glycine in a canonical Gly-X-Y repeat; missense substitution of a canonical glycine residue is expected to disrupt normal protein folding and function, and this is an established mechanism of disease (PMID: 34007986); In silico analysis supports that this missense variant has a deleterious effect on protein structure/function; Not observed at significant frequency in large population cohorts (gnomAD); Also known as p.(G808S); This variant is associated with the following publications: (PMID: 28872564, 34007986)

Department of Clinical Genetics, Copenhagen University Hospital, Rigshospitalet
Classification: Likely pathogenic for Osteogenesis imperfecta type I. Last evaluated: 2024-03-07. Review status: criteria provided, single submitter. Criteria: ACMG Guidelines, 2015. Collection method: clinical testing. Allele origin: germline.
Comment: PM1_Str, PM2_M, PP2_Sup, PP3_Sup

Literature cited by the submitters: PubMed 28872564 (cited by Department of Clinical Genetics, Copenhagen University Hospital, Rigshospitalet).